The following is an entry in ClinVar:

ClinVar aggregate classification (germline): Uncertain significance (1 of 4 stars; one submission).

Conditions:
Melnick-Needles syndrome (MNS). Also called: MELNICK-NEEDLES OSTEODYSPLASTY; OSTEODYSPLASTY OF MELNICK AND NEEDLES; Melnick-Needles Syndrome (FLNA-MNS). Identifiers: Orphanet 2484, MedGen C0025237, MONDO:0010650, OMIM 309350.
Frontometaphyseal dysplasia (FMD1). Identifiers: Orphanet 1826, MedGen C0265293, MONDO:0015942.
Heterotopia, periventricular, X-linked dominant (PVNH1). Also called: PERIVENTRICULAR NODULAR HETEROTOPIA 1; X-linked periventricular heterotopia; PERIVENTRICULAR NODULAR HETEROTOPIA 4; HETEROTOPIA, PERIVENTRICULAR, 1. Identifiers: Orphanet 2149, Orphanet 82004, MedGen C1848213, MONDO:0010233, OMIM 300049.
Oto-palato-digital syndrome, type II (OPD2). Also called: FACIOPALATOOSSEOUS SYNDROME; OPD II SYNDROME; Otopalatodigital Syndrome, Type II; Otopalatodigital Syndrome Type 2 (FLNA-OPD2). Identifiers: Orphanet 669, Orphanet 90652, MedGen C1844696, MONDO:0010571, OMIM 304120.

Submission:

Labcorp Genetics (formerly Invitae), Labcorp
Classification: Uncertain significance for Oto-palato-digital syndrome, type II; Heterotopia, periventricular, X-linked dominant; Frontometaphyseal dysplasia; Melnick-Needles syndrome. Last evaluated: 2024-05-21. Review status: criteria provided, single submitter. Criteria: Invitae Variant Classification Sherloc (09022015). Collection method: clinical testing. Allele origin: germline.
Comment: This sequence change replaces glycine, which is neutral and non-polar, with alanine, which is neutral and non-polar, at codon 1096 of the FLNA protein (p.Gly1096Ala). This variant is not present in population databases (gnomAD no frequency). This variant has not been reported in the literature in individuals affected with FLNA-related conditions. Advanced modeling of protein sequence and biophysical properties (such as structural, functional, and spatial information, amino acid conservation, physicochemical variation, residue mobility, and thermodynamic stability) has been performed at Invitae for this missense variant, however the output from this modeling did not meet the statistical confidence thresholds required to predict the impact of this variant on FLNA protein function. In summary, the available evidence is currently insufficient to determine the role of this variant in disease. Therefore, it has been classified as a Variant of Uncertain Significance.

NM_001110556.2(FLNA):c.3287G>C (p.Gly1096Ala)

Gene: FLNA (filamin A; minus strand). Cytogenetic location: Xq28.
Variant type: single nucleotide variant.
Coding change: c.3287G>C on transcript NM_001110556.2 (MANE Select); coding-DNA position 3287, G replaced by C.
Protein change: p.Gly1096Ala; replaces glycine 1096 with alanine.
Molecular consequence: missense variant.
Genome position (GRCh38, 1-based): chrX:154,360,508, C>G on the plus strand (G>C on the coding strand, the complement: FLNA is on the minus strand). VCF-style: chrX-154360508-C-G. GRCh37 (hg19) VCF-style: chrX-153588876-C-G.
Other names: c.3287G>C, p.Gly1096Ala (NM_001456.4); short protein forms G1096A.
Identifiers: ClinVar variation 3753996 (VCV003753996.2).